The following is an entry in ClinVar:

ClinVar aggregate classification (germline): Uncertain significance (1 of 4 stars; one submission).

Submission:

Labcorp Genetics (formerly Invitae), Labcorp
Classification: Uncertain significance. Last evaluated: 2023-05-20. Review status: criteria provided, single submitter. Criteria: Invitae Variant Classification Sherloc (09022015). Collection method: clinical testing. Allele origin: germline.
Comment: In summary, the available evidence is currently insufficient to determine the role of this variant in disease. Therefore, it has been classified as a Variant of Uncertain Significance. This variant has not been reported in the literature in individuals affected with IL18BP-related conditions. This variant is not present in population databases (gnomAD no frequency). This sequence change affects codon 153 of the IL18BP mRNA. It is a 'silent' change, meaning that it does not change the encoded amino acid sequence of the IL18BP protein.

NM_001039660.2(IL18BP):c.459G>A (p.Val153=)

Gene: IL18BP (interleukin 18 binding protein; plus strand). Cytogenetic location: 11q13.4.
Variant type: single nucleotide variant.
Coding change: c.459G>A on transcript NM_001039660.2 (MANE Select); coding-DNA position 459, G replaced by A.
Protein change: p.Val153=; no amino-acid change (valine 153 retained).
Molecular consequence: synonymous variant. On other transcripts: intron variant (2).
Genome position (GRCh38, 1-based): chr11:72,001,504, G>A. VCF-style: chr11-72001504-G-A. GRCh37 (hg19) VCF-style: chr11-71712550-G-A.
Other names: c.459G>A, p.Val153= (NM_001039659.2, NM_001145057.1, NM_005699.3 and 1 more transcripts); c.379+80G>A (NM_173044.3); c.236-280G>A (NM_001145055.1).
Identifiers: ClinVar variation 2798154 (VCV002798154.3), dbSNP rs1955234925, ClinGen allele CA475861416.